The following is an entry in ClinVar:

NM_025099.6(CTC1):c.973C>T (p.Pro325Ser)

Gene: CTC1 (CST telomere replication complex component 1; minus strand). Cytogenetic location: 17p13.1.
Variant type: single nucleotide variant.
Coding change: c.973C>T on transcript NM_025099.6 (MANE Select); coding-DNA position 973, C replaced by T.
Protein change: p.Pro325Ser; replaces proline 325 with serine.
Molecular consequence: missense variant. On other transcripts: non-coding transcript variant (1).
Genome position (GRCh38, 1-based): chr17:8,236,162, G>A on the plus strand (C>T on the coding strand, the complement: CTC1 is on the minus strand). VCF-style: chr17-8236162-G-A. GRCh37 (hg19) VCF-style: chr17-8139480-G-A.
Other names: c.973C>T (NM_025099.5); c.973C>T, p.Pro325Ser (NM_001411067.1); short protein forms P325S.
Identifiers: ClinVar variation 2064317 (VCV002064317.7), dbSNP rs1987706031, ClinGen allele CA397988286.
Genomic context (GRCh38, chr17:8,236,162, plus strand): 5'-CCTTCTTGTCCTCCGAGTTGCTGGGCATGGGGAGTGGCTTGGGGTCAGCCTCTAAGAGGG[G>A]TCCTTCCAGCTCCAGTTCCAGCTCCTGCACACATTCTGGTTTCAGCAGCAACAGACGGGA-3'
Protein context (NP_079375.3, residues 315-335): VQELELELEG[Pro325Ser]LLEADPKPLP

ClinVar aggregate classification (germline): Uncertain significance. Review status: criteria provided, multiple submitters, no conflicts (2 of 4 stars). 3 submissions from 3 submitters: Uncertain significance (3). Last evaluated 2024-07-30.

Conditions:
Inborn genetic diseases. Identifiers: MedGen C0950123, MeSH D030342.
Dyskeratosis congenita. Identifiers: Orphanet 1775, MedGen C0265965, MONDO:0015780.
Cerebroretinal microangiopathy with calcifications and cysts 1 (CRMCC1). Identifiers: Orphanet 313838, MedGen C4552029, MONDO:0024564, OMIM 612199.

Allele frequency attached by ClinVar (database versions not stated): gnomAD exomes below 0.00001; TOPMed below 0.00001.
gnomAD v4.1: 4 of 1,614,200 alleles (0.00025%); highest among the groups gnomAD compares: South Asian, 0.0044%; no homozygotes.

Submissions (3):

Ambry Genetics
Classification: Uncertain significance for Inborn genetic diseases. Last evaluated: 2024-07-30. Review status: criteria provided, single submitter. Criteria: Ambry Variant Classification Scheme 2023. Collection method: clinical testing. Allele origin: germline.

Revvity Omics, Revvity
Classification: Uncertain significance for Cerebroretinal microangiopathy with calcifications and cysts 1. Last evaluated: 2023-11-03. Review status: criteria provided, single submitter. Criteria: ACMG Guidelines, 2015. Collection method: clinical testing. Allele origin: germline.

Labcorp Genetics (formerly Invitae), Labcorp
Classification: Uncertain significance for Dyskeratosis congenita. Last evaluated: 2021-12-17. Review status: criteria provided, single submitter. Criteria: Invitae Variant Classification Sherloc (09022015). Collection method: clinical testing. Allele origin: germline.
Comment: In summary, the available evidence is currently insufficient to determine the role of this variant in disease. Therefore, it has been classified as a Variant of Uncertain Significance. Algorithms developed to predict the effect of missense changes on protein structure and function output the following: SIFT: "Deleterious"; PolyPhen-2: "Benign"; Align-GVGD: "Class C0". The serine amino acid residue is found in multiple mammalian species, which suggests that this missense change does not adversely affect protein function. This variant has not been reported in the literature in individuals affected with CTC1-related conditions. This variant is not present in population databases (gnomAD no frequency). This sequence change replaces proline, which is neutral and non-polar, with serine, which is neutral and polar, at codon 325 of the CTC1 protein (p.Pro325Ser).